The following is an entry in ClinVar:

NC_000023.10:g.(?_31140036)_(31525590_?)dup

Gene: DMD (dystrophin; minus strand). Cytogenetic location: Xp21.2-21.1.
Variant type: Duplication.
Identifiers: ClinVar variation 2424988 (VCV002424988.1).

ClinVar aggregate classification (germline): Uncertain significance (1 of 4 stars; one submission).

Conditions:
Duchenne muscular dystrophy (DMD). Also called: Duchenne Muscular Dystrophy (DMD); MUSCULAR DYSTROPHY, PSEUDOHYPERTROPHIC PROGRESSIVE, DUCHENNE TYPE. Identifiers: Orphanet 98896, MedGen C0013264, MONDO:0010679, OMIM 310200.

Submission:

Labcorp Genetics (formerly Invitae), Labcorp
Classification: Uncertain significance for Duchenne muscular dystrophy. Last evaluated: 2021-12-15. Review status: criteria provided, single submitter. Criteria: Invitae Variant Classification Sherloc (09022015). Collection method: clinical testing. Allele origin: germline.
Comment: This variant results in a copy number gain of the genomic region encompassing exon(s) 56-79 of the DMD gene. This region includes the termination codon of the gene. This copy number gain extends beyond the assayed region for this gene and therefore may encompass additional genes. As the precise location of this event is unknown, it may be in tandem or it may be located elsewhere in the genome. This variant has not been reported in the literature in individuals affected with DMD-related conditions. In summary, the available evidence is currently insufficient to determine the role of this variant in disease. Therefore, it has been classified as a Variant of Uncertain Significance.